The following is an entry in ClinVar:

NM_005732.4(RAD50):c.2829+6A>T

Gene: RAD50 (RAD50 double strand break repair protein; plus strand). Cytogenetic location: 5q31.1.
Variant type: single nucleotide variant.
Coding change: c.2829+6A>T on transcript NM_005732.4 (MANE Select); 6 bases into the intron after coding-DNA position 2829, A replaced by T.
Molecular consequence: intron variant.
Genome position (GRCh38, 1-based): chr5:132,608,731, A>T. VCF-style: chr5-132608731-A-T. GRCh37 (hg19) VCF-style: chr5-131944423-A-T.
Identifiers: ClinVar variation 408403 (VCV000408403.11), dbSNP rs1060501966, ClinGen allele CA16611843.

ClinVar aggregate classification (germline): Uncertain significance (1 of 4 stars; one submission).

Conditions:
Hereditary cancer-predisposing syndrome. Also called: Hereditary Cancer Syndrome; Hereditary neoplastic syndrome; Neoplastic Syndromes, Hereditary; Tumor predisposition. Identifiers: Orphanet 140162, MedGen C0027672, MeSH D009386, MONDO:0015356.

gnomAD v4.1: 19 of 1,570,118 alleles (0.0012%); highest among the groups gnomAD compares: Non-Finnish European, 0.0016%; no homozygotes.

Submission:

Labcorp Genetics (formerly Invitae), Labcorp
Classification: Uncertain significance for Hereditary cancer-predisposing syndrome. Last evaluated: 2023-09-10. Review status: criteria provided, single submitter. Criteria: Invitae Variant Classification Sherloc (09022015). Collection method: clinical testing. Allele origin: germline.
Comment: In summary, the available evidence is currently insufficient to determine the role of this variant in disease. Therefore, it has been classified as a Variant of Uncertain Significance. Variants that disrupt the consensus splice site are a relatively common cause of aberrant splicing (PMID: 17576681, 9536098). Algorithms developed to predict the effect of sequence changes on RNA splicing suggest that this variant is not likely to affect RNA splicing. ClinVar contains an entry for this variant (Variation ID: 408403). This variant has not been reported in the literature in individuals affected with RAD50-related conditions. This variant is not present in population databases (gnomAD no frequency). This sequence change falls in intron 17 of the RAD50 gene. It does not directly change the encoded amino acid sequence of the RAD50 protein. It affects a nucleotide within the consensus splice site.

Literature cited by the submitters: PubMed 17576681; PubMed 9536098.